The following is an entry in ClinVar:

NM_012186.3(FOXE3):c.758G>C (p.Cys253Ser)

Genes: FOXE3 (forkhead box E3; plus strand), LINC01389 (long intergenic non-protein coding RNA 1389; minus strand). Cytogenetic location: 1p33.
Variant type: single nucleotide variant.
Coding change: c.758G>C on transcript NM_012186.3 (MANE Select); coding-DNA position 758, G replaced by C.
Protein change: p.Cys253Ser; replaces cysteine 253 with serine.
Molecular consequence: missense variant.
Genome position (GRCh38, 1-based): chr1:47,417,073, G>C. VCF-style: chr1-47417073-G-C. GRCh37 (hg19) VCF-style: chr1-47882745-G-C.
Other names: short protein forms C253S.
Identifiers: ClinVar variation 3226214 (VCV003226214.1), dbSNP rs987224991, ClinGen allele CA22069253.

ClinVar aggregate classification (germline): Uncertain significance (1 of 4 stars; one submission).

Conditions:
Cardiovascular phenotype. Identifiers: MedGen CN230736.

Allele frequency attached by ClinVar (database versions not stated): gnomAD 0.00001; TOPMed 0.00001.

Submission:

Ambry Genetics
Classification: Uncertain significance for Cardiovascular phenotype. Last evaluated: 2023-10-15. Review status: criteria provided, single submitter. Criteria: Ambry Variant Classification Scheme 2023. Collection method: clinical testing. Allele origin: germline.
Comment: The p.C253S variant (also known as c.758G>C), located in coding exon 1 of the FOXE3 gene, results from a G to C substitution at nucleotide position 758. The cysteine at codon 253 is replaced by serine, an amino acid with dissimilar properties. This amino acid position is conserved. In addition, this alteration is predicted to be tolerated by in silico analysis. Since supporting evidence is limited at this time, the clinical significance of this alteration remains unclear.